The following is an entry in ClinVar:

NM_181552.4(CUX1):c.1469A>G (p.Gln490Arg)

Gene: CUX1 (cut like homeobox 1; plus strand). Cytogenetic location: 7q22.1.
Variant type: single nucleotide variant.
Coding change: c.1469A>G on transcript NM_181552.4 (MANE Select); coding-DNA position 1469, A replaced by G.
Protein change: p.Gln490Arg; replaces glutamine 490 with arginine.
Molecular consequence: missense variant. On other transcripts: intron variant (5).
Genome position (GRCh38, 1-based): chr7:102,196,880, A>G. VCF-style: chr7-102196880-A-G. GRCh37 (hg19) VCF-style: chr7-101840160-A-G.
Other names: c.1502A>G, p.Gln501Arg (NM_001202543.2); c.1255+1277A>G (NM_001913.5); c.1249+1277A>G (NM_181500.4); c.1117+1277A>G (NM_001202545.3); c.1207+1277A>G (NM_001202544.3); c.1138+1277A>G (NM_001202546.3); short protein forms Q490R, Q501R.
Identifiers: ClinVar variation 3369462 (VCV003369462.1).

ClinVar aggregate classification (germline): Uncertain significance (1 of 4 stars; one submission).

Submission:

GeneDx
Classification: Uncertain significance. Last evaluated: 2024-02-20. Review status: criteria provided, single submitter. Criteria: GeneDx Variant Classification Process June 2021. Collection method: clinical testing. Allele origin: germline. Affected: yes.
Comment: Not observed at significant frequency in large population cohorts (gnomAD); In silico analysis supports that this missense variant does not alter protein structure/function; Has not been previously published as pathogenic or benign to our knowledge